The following is an entry in ClinVar:

NM_000548.5(TSC2):c.2779A>T (p.Thr927Ser)

Gene: TSC2 (TSC complex subunit 2; plus strand). Cytogenetic location: 16p13.3.
Variant type: single nucleotide variant.
Coding change: c.2779A>T on transcript NM_000548.5 (MANE Select); coding-DNA position 2779, A replaced by T.
Protein change: p.Thr927Ser; replaces threonine 927 with serine.
Molecular consequence: missense variant. On other transcripts: non-coding transcript variant (5).
Genome position (GRCh38, 1-based): chr16:2,076,527, A>T. VCF-style: chr16-2076527-A-T. GRCh37 (hg19) VCF-style: chr16-2126528-A-T.
Other names: c.2779A>T, p.Thr927Ser (NM_001077183.3, NM_001114382.3, NM_001363528.2 and 6 more transcripts); c.2668A>T, p.Thr890Ser (NM_001318827.2, NM_001406670.1, NM_001406678.1); c.2632A>T, p.Thr878Ser (NM_001318829.2, NM_001406675.1, NM_001406676.1 and 1 more transcripts); c.2179A>T, p.Thr727Ser (NM_001318831.2, NM_001406680.1, NM_001406682.1 and 6 more transcripts); c.2812A>T, p.Thr938Ser (NM_001318832.2); c.2869A>T, p.Thr957Ser (NM_001406667.1, NM_001406668.1); c.2767A>T, p.Thr923Ser (NM_001406671.1, NM_001406673.1); c.2722A>T, p.Thr908Ser (NM_001406677.1); and 3 more; short protein forms T393S, T479S, T727S, T773S, T878S, T890S, T908S, T923S.
Identifiers: ClinVar variation 3232124 (VCV003232124.1), dbSNP rs1420034406, ClinGen allele CA394279931.
Genomic context (GRCh38, chr16:2,076,527, plus strand): 5'-GTCTGGGTGTGCTCACTCTGCCAGGGCCTGCGGTCCAATGTCCTCTTGTCTTTTGATGAC[A>T]CCCCCGAGAAGGACAGCTTCAGGGCCCGGAGTACTAGTCTCAACGAGAGACCCAAGAGGT-3'
Protein context (NP_000539.2, residues 917-937): RSNVLLSFDD[Thr927Ser]PEKDSFRARS

ClinVar aggregate classification (germline): Uncertain significance (1 of 4 stars; one submission).

Conditions:
Hereditary cancer-predisposing syndrome. Also called: Neoplastic Syndromes, Hereditary; Tumor predisposition; Hereditary neoplastic syndrome; Hereditary Cancer Syndrome. Identifiers: Orphanet 140162, MedGen C0027672, MeSH D009386, MONDO:0015356.

Submission:

Ambry Genetics
Classification: Uncertain significance for Hereditary cancer-predisposing syndrome. Last evaluated: 2024-02-29. Review status: criteria provided, single submitter. Criteria: Ambry Variant Classification Scheme 2023. Collection method: clinical testing. Allele origin: germline.
Comment: The p.T927S variant (also known as c.2779A>T), located in coding exon 24 of the TSC2 gene, results from an A to T substitution at nucleotide position 2779. The threonine at codon 927 is replaced by serine, an amino acid with similar properties. This amino acid position is conserved. In addition, the in silico prediction for this alteration is inconclusive. Based on the available evidence, the clinical significance of this alteration remains unclear.